The following is an entry in ClinVar:

NM_001364905.1(LRBA):c.5831A>G (p.Tyr1944Cys)

Gene: LRBA (LPS responsive beige-like anchor protein; minus strand). Cytogenetic location: 4q31.3.
Variant type: single nucleotide variant.
Coding change: c.5831A>G on transcript NM_001364905.1 (MANE Select); coding-DNA position 5831, A replaced by G.
Protein change: p.Tyr1944Cys; replaces tyrosine 1944 with cysteine.
Molecular consequence: missense variant.
Genome position (GRCh38, 1-based): chr4:150,683,641, T>C on the plus strand (A>G on the coding strand, the complement: LRBA is on the minus strand). VCF-style: chr4-150683641-T-C. GRCh37 (hg19) VCF-style: chr4-151604793-T-C.
Other names: c.5831A>G, p.Tyr1944Cys (NM_001199282.3, NM_001367550.1, NM_006726.5); short protein forms Y1944C.
Identifiers: ClinVar variation 577813 (VCV000577813.40), dbSNP rs150829802, ClinGen allele CA3102336.
Genomic context (GRCh38, chr4:150,683,641, plus strand): 5'-TTGTCTGTGAGAATGTTGATAATTTTCTGGATTAGTTGAGTTGCTGTCACGTGGTCACGA[T>C]ATTTTGCTGCTCTTATCAAATGATCACACATCTTCTCATCTTCTCGTTTGTCTGCAGAAT-3'
Protein context (NP_001351834.1, residues 1934-1954): MCDHLIRAAK[Tyr1944Cys]RDHVTATQLI

ClinVar aggregate classification (germline): Uncertain significance. Review status: criteria provided, multiple submitters, no conflicts (2 of 4 stars). 4 submissions from 4 submitters: Uncertain significance (4). Last evaluated 2025-03-31.

Conditions:
Combined immunodeficiency due to LRBA deficiency. Also called: Common variable immunodeficiency 8, with autoimmunity. Identifiers: Orphanet 445018, MedGen C3553512, MONDO:0013863, OMIM 614700.

Allele frequency attached by ClinVar (database versions not stated): ExAC 0.00006; gnomAD exomes 0.00006; gnomAD 0.00008; TOPMed 0.00010; ESP Exome Variant Server 0.00015.
gnomAD v4.1: 104 of 1,613,668 alleles (0.0064%); highest among the groups gnomAD compares: Non-Finnish European, 0.0074%; no homozygotes.

Submissions (4):

ARUP Laboratories, Molecular Genetics and Genomics, ARUP Laboratories
Classification: Uncertain significance for Combined immunodeficiency due to LRBA deficiency. Last evaluated: 2025-03-31. Review status: criteria provided, single submitter. Criteria: ARUP Molecular Germline Variant Investigation Process 2024. Collection method: clinical testing. Allele origin: germline.
Comment: The LRBA c.5831A>G; p.Tyr1944Cys variant (rs150829802, ClinVar Variation ID 577813) is reported in the literature in one individual affected with posterior segment uveitis (Li 2021). This variant is found in the general population with an overall allele frequency of 0.006% (17/282,794 alleles) in the Genome Aggregation Database (v2.1.1). Computational analyses are uncertain whether this variant is neutral or deleterious (REVEL: 0.333). Due to limited information, the clinical significance of this variant is uncertain at this time. References: Li AS et al. Whole-Exome Sequencing of Patients With Posterior Segment Uveitis. Am J Ophthalmol. 2021 Jan;221:246-259. PMID: 32707200.

Blueprint Genetics
Classification: Uncertain significance. Last evaluated: 2023-11-17. Review status: criteria provided, single submitter. Criteria: ACMG Guidelines, 2015. Collection method: clinical testing. Allele origin: germline.

Labcorp Genetics (formerly Invitae), Labcorp
Classification: Uncertain significance for Combined immunodeficiency due to LRBA deficiency. Last evaluated: 2022-10-17. Review status: criteria provided, single submitter. Criteria: Invitae Variant Classification Sherloc (09022015). Collection method: clinical testing. Allele origin: germline.
Comment: This sequence change replaces tyrosine, which is neutral and polar, with cysteine, which is neutral and slightly polar, at codon 1944 of the LRBA protein (p.Tyr1944Cys). This variant is present in population databases (rs150829802, gnomAD 0.009%). This missense change has been observed in individual(s) with scleritis (PMID: 32707200). ClinVar contains an entry for this variant (Variation ID: 577813). Advanced modeling of protein sequence and biophysical properties (such as structural, functional, and spatial information, amino acid conservation, physicochemical variation, residue mobility, and thermodynamic stability) performed at Invitae indicates that this missense variant is not expected to disrupt LRBA protein function. In summary, the available evidence is currently insufficient to determine the role of this variant in disease. Therefore, it has been classified as a Variant of Uncertain Significance.

CeGaT Center for Human Genetics Tuebingen
Classification: Uncertain significance. Last evaluated: 2021-12-01. Review status: criteria provided, single submitter. Criteria: CeGaT Center For Human Genetics Tuebingen Variant Classification Criteria Version 2. Collection method: clinical testing. Allele origin: germline. Affected: yes. Observed: 1 variant allele.

Literature cited by the submitters: PubMed 32707200 (cited by Labcorp Genetics (formerly Invitae), Labcorp).